The following is an entry in ClinVar:

NM_000548.5(TSC2):c.1105C>G (p.Leu369Val)

Gene: TSC2 (TSC complex subunit 2; plus strand). Cytogenetic location: 16p13.3.
Variant type: single nucleotide variant.
Coding change: c.1105C>G on transcript NM_000548.5 (MANE Select); coding-DNA position 1105, C replaced by G.
Protein change: p.Leu369Val; replaces leucine 369 with valine.
Molecular consequence: missense variant. On other transcripts: non-coding transcript variant (5), 5 prime UTR variant (10).
Genome position (GRCh38, 1-based): chr16:2,060,799, C>G. VCF-style: chr16-2060799-C-G. GRCh37 (hg19) VCF-style: chr16-2110800-C-G.
Other names: c.1105C>G, p.Leu369Val (NM_001077183.3, NM_001114382.3, NM_001363528.2 and 6 more transcripts); c.994C>G, p.Leu332Val (NM_001318827.2, NM_001406670.1, NM_001406678.1); c.958C>G, p.Leu320Val (NM_001318829.2, NM_001406675.1, NM_001406676.1 and 1 more transcripts); c.505C>G, p.Leu169Val (NM_001318831.2, NM_001406680.1, NM_001406682.1 and 6 more transcripts); c.1138C>G, p.Leu380Val (NM_001318832.2); c.1195C>G, p.Leu399Val (NM_001406667.1, NM_001406668.1); c.1093C>G, p.Leu365Val (NM_001406671.1, NM_001406673.1); c.1048C>G, p.Leu350Val (NM_001406677.1); and 4 more; short protein forms L169V, L320V, L365V, L215V, L332V, L350V, L399V, L380V.
Identifiers: ClinVar variation 3637185 (VCV003637185.2).

ClinVar aggregate classification (germline): Uncertain significance (1 of 4 stars; one submission).

Conditions:
Tuberous sclerosis 2 (TSC2). Identifiers: Orphanet 805, MedGen C1860707, MONDO:0013199, OMIM 613254.

gnomAD v4.1: 2 of 1,613,544 alleles (0.00012%); highest among the groups gnomAD compares: Non-Finnish European, 0.00017%; no homozygotes.

Submission:

Labcorp Genetics (formerly Invitae), Labcorp
Classification: Uncertain significance for Tuberous sclerosis 2. Last evaluated: 2024-10-24. Review status: criteria provided, single submitter. Criteria: Invitae Variant Classification Sherloc (09022015). Collection method: clinical testing. Allele origin: germline.
Comment: This sequence change replaces leucine, which is neutral and non-polar, with valine, which is neutral and non-polar, at codon 369 of the TSC2 protein (p.Leu369Val). This variant is not present in population databases (gnomAD no frequency). This variant has not been reported in the literature in individuals affected with TSC2-related conditions. Invitae Evidence Modeling of protein sequence and biophysical properties (such as structural, functional, and spatial information, amino acid conservation, physicochemical variation, residue mobility, and thermodynamic stability) indicates that this missense variant is not expected to disrupt TSC2 protein function with a negative predictive value of 95%. In summary, the available evidence is currently insufficient to determine the role of this variant in disease. Therefore, it has been classified as a Variant of Uncertain Significance.